The following is an entry in ClinVar:

NM_212482.4(FN1):c.1747G>T (p.Val583Phe)

Gene: FN1 (fibronectin 1; minus strand). Cytogenetic location: 2q35.
Variant type: single nucleotide variant.
Coding change: c.1747G>T on transcript NM_212482.4 (MANE Select); coding-DNA position 1747, G replaced by T.
Protein change: p.Val583Phe; replaces valine 583 with phenylalanine.
Molecular consequence: missense variant.
Genome position (GRCh38, 1-based): chr2:215,419,314, C>A on the plus strand (G>T on the coding strand, the complement: FN1 is on the minus strand). VCF-style: chr2-215419314-C-A. GRCh37 (hg19) VCF-style: chr2-216284037-C-A.
Other names: c.1747G>T, p.Val583Phe (NM_001306129.2, NM_001306130.2, NM_001306131.2 and 14 more transcripts); short protein forms V583F.
Identifiers: ClinVar variation 3632175 (VCV003632175.2).

ClinVar aggregate classification (germline): Uncertain significance (1 of 4 stars; one submission).

Submission:

Labcorp Genetics (formerly Invitae), Labcorp
Classification: Uncertain significance. Last evaluated: 2024-05-28. Review status: criteria provided, single submitter. Criteria: Invitae Variant Classification Sherloc (09022015). Collection method: clinical testing. Allele origin: germline.
Comment: This sequence change replaces valine, which is neutral and non-polar, with phenylalanine, which is neutral and non-polar, at codon 583 of the FN1 protein (p.Val583Phe). This variant is not present in population databases (gnomAD no frequency). This variant has not been reported in the literature in individuals affected with FN1-related conditions. Advanced modeling of protein sequence and biophysical properties (such as structural, functional, and spatial information, amino acid conservation, physicochemical variation, residue mobility, and thermodynamic stability) performed at Invitae indicates that this missense variant is not expected to disrupt FN1 protein function with a negative predictive value of 80%. In summary, the available evidence is currently insufficient to determine the role of this variant in disease. Therefore, it has been classified as a Variant of Uncertain Significance.